The following is an entry in ClinVar:

NM_001256447.2(BCAP31):c.41C>G (p.Ala14Gly)

Gene: BCAP31 (B cell receptor associated protein 31; minus strand). Cytogenetic location: Xq28.
Variant type: single nucleotide variant.
Coding change: c.41C>G on transcript NM_001256447.2 (MANE Select); coding-DNA position 41, C replaced by G.
Protein change: p.Ala14Gly; replaces alanine 14 with glycine.
Molecular consequence: missense variant.
Genome position (GRCh38, 1-based): chrX:153,723,204, G>C on the plus strand (C>G on the coding strand, the complement: BCAP31 is on the minus strand). VCF-style: chrX-153723204-G-C. GRCh37 (hg19) VCF-style: chrX-152988659-G-C.
Other names: c.41C>G, p.Ala14Gly (NM_001139441.1, NM_005745.8); c.242C>G, p.Ala81Gly (NM_001139457.2); short protein forms A14G, A81G.
Identifiers: ClinVar variation 2661710 (VCV002661710.24), dbSNP rs782751265, ClinGen allele CA415096132.

ClinVar aggregate classification (germline): Uncertain significance (1 of 4 stars; one submission).

Submission:

CeGaT Center for Human Genetics Tuebingen
Classification: Uncertain significance. Last evaluated: 2022-12-01. Review status: criteria provided, single submitter. Criteria: CeGaT Center For Human Genetics Tuebingen Variant Classification Criteria Version 2. Collection method: clinical testing. Allele origin: germline. Affected: yes. Observed: 1 variant allele.
Comment: BCAP31: PM2